The following is an entry in ClinVar:

NM_001458.5(FLNC):c.2874G>A (p.Val958=)

Gene: FLNC (filamin C; plus strand). Cytogenetic location: 7q32.1.
Variant type: single nucleotide variant.
Coding change: c.2874G>A on transcript NM_001458.5 (MANE Select); coding-DNA position 2874, G replaced by A.
Protein change: p.Val958=; no amino-acid change (valine 958 retained).
Molecular consequence: synonymous variant.
Genome position (GRCh38, 1-based): chr7:128,843,858, G>A. VCF-style: chr7-128843858-G-A. GRCh37 (hg19) VCF-style: chr7-128483912-G-A.
Other names: c.2874G>A (NM_001458.4); c.2874G>A, p.Val958= (NM_001127487.2).
Identifiers: ClinVar variation 1644116 (VCV001644116.12), dbSNP rs754046100, ClinGen allele CA457577900.
Genomic context (GRCh38, chr7:128,843,858, plus strand): 5'-CAACATGGCAGTGACAGTGACTTATGGCGGGGACCCTGTCCCCAAGAGCCCCTTTGTGGT[G>A]AATGTGGCACCCCCGCTGGACCTCAGCAAAATCAAAGTTCAGGGCCTTAATAGCAGTAAG-3'
Protein context (NP_001449.3, residues 948-968): GDPVPKSPFV[Val958=]NVAPPLDLSK

ClinVar aggregate classification (germline): Likely benign. Review status: criteria provided, multiple submitters, no conflicts (2 of 4 stars). 3 submissions from 3 submitters: Likely benign (2). 1 of the submissions does not count toward it. Last evaluated 2024-10-30.

Conditions:
Distal myopathy with posterior leg and anterior hand involvement. Also called: WILLIAMS DISTAL MYOPATHY. Identifiers: Orphanet 63273, MedGen C3279722, MONDO:0013550, OMIM 614065.
Hypertrophic cardiomyopathy 26. Also called: Cardiomyopathy, familial hypertrophic, 26. Identifiers: Orphanet 75249, MedGen C4310749, MONDO:0014883, OMIM 617047.
Myofibrillar myopathy 5. Also called: Filaminopathy (type); FILAMINOPATHY, AUTOSOMAL DOMINANT. Identifiers: Orphanet 171445, MedGen C1836050, MONDO:0012289, OMIM 609524.
Cardiovascular phenotype. Identifiers: MedGen CN230736.
FLNC-related disorder. Also called: FLNC-related condition; FLNC-related disorders.

Allele frequency attached by ClinVar (database versions not stated): gnomAD 0.00001.
gnomAD v4.1: 8 of 1,613,888 alleles (0.0005%); highest among the groups gnomAD compares: South Asian, 0.0011%; no homozygotes.

Submissions (3):

Labcorp Genetics (formerly Invitae), Labcorp
Classification: Likely benign for Distal myopathy with posterior leg and anterior hand involvement; Myofibrillar myopathy 5; Hypertrophic cardiomyopathy 26. Last evaluated: 2024-10-30. Review status: criteria provided, single submitter. Criteria: Invitae Variant Classification Sherloc (09022015). Collection method: clinical testing. Allele origin: germline.

Ambry Genetics
Classification: Likely benign for Cardiovascular phenotype. Last evaluated: 2023-05-19. Review status: criteria provided, single submitter. Criteria: Ambry Variant Classification Scheme 2023. Collection method: clinical testing. Allele origin: germline.

PreventionGenetics, part of Exact Sciences
Classification: Likely benign for FLNC-related condition. Last evaluated: 2022-11-11. Review status: no assertion criteria provided. Collection method: clinical testing. Allele origin: germline. Not counted in ClinVar's aggregate classification.
Comment: This variant is classified as likely benign based on ACMG/AMP sequence variant interpretation guidelines (Richards et al. 2015 PMID: 25741868, with internal and published modifications).